The following is an entry in ClinVar:

NM_004360.5(CDH1):c.1260T>C (p.Gly420=)

Gene: CDH1 (cadherin 1; plus strand). Cytogenetic location: 16q22.1.
Variant type: single nucleotide variant.
Coding change: c.1260T>C on transcript NM_004360.5 (MANE Select); coding-DNA position 1260, T replaced by C.
Protein change: p.Gly420=; no amino-acid change (glycine 420 retained).
Molecular consequence: synonymous variant. On other transcripts: 5 prime UTR variant (2), intron variant (1).
Genome position (GRCh38, 1-based): chr16:68,813,435, T>C. VCF-style: chr16-68813435-T-C. GRCh37 (hg19) VCF-style: chr16-68847338-T-C.
Other names: c.1260T>C (LRG_301t1); c.-356T>C (NM_001317185.2); c.-560T>C (NM_001317186.2); c.1137+1172T>C (NM_001317184.2).
Identifiers: ClinVar variation 463705 (VCV000463705.18), dbSNP rs1555515903, ClinGen allele CA496392930.
Genomic context (GRCh38, chr16:68,813,435, plus strand): 5'-TGCTGATGCCCCCAATACCCCAGCGTGGGAGGCTGTATACACCATATTGAATGATGATGG[T>C]GGACAATTTGTCGTCACCACAAATCCAGTGAACAACGATGGCATTTTGAAAACAGCAAAG-3'
Protein context (NP_004351.1, residues 410-430): EAVYTILNDD[Gly420=]GQFVVTTNPV

ClinVar aggregate classification (germline): Benign/Likely benign. Review status: criteria provided, multiple submitters, no conflicts (2 of 4 stars). 4 submissions from 4 submitters: Benign (1); Likely benign (3). Last evaluated 2025-09-04.

Conditions:
Hereditary cancer-predisposing syndrome. Also called: Hereditary neoplastic syndrome; Neoplastic Syndromes, Hereditary; Tumor predisposition; Hereditary Cancer Syndrome. Identifiers: Orphanet 140162, MedGen C0027672, MeSH D009386, MONDO:0015356.
Hereditary diffuse gastric adenocarcinoma (HDGC). Also called: DIFFUSE GASTRIC AND LOBULAR BREAST CANCER SYNDROME. Identifiers: Orphanet 26106, MedGen C1708349, MONDO:0007648, OMIM 137215.

Allele frequency attached by ClinVar (database versions not stated): TOPMed below 0.00001.

Submissions (4):

Labcorp Genetics (formerly Invitae), Labcorp
Classification: Likely benign for Hereditary diffuse gastric adenocarcinoma. Last evaluated: 2025-09-04. Review status: criteria provided, single submitter. Criteria: Invitae Variant Classification Sherloc (09022015). Collection method: clinical testing. Allele origin: germline.

Myriad Genetics, Inc.
Classification: Benign for Hereditary diffuse gastric adenocarcinoma. Last evaluated: 2024-09-18. Review status: criteria provided, single submitter. Criteria: Myriad Autosomal Dominant, Autosomal Recessive and X-Linked Classification Criteria (2023). Collection method: clinical testing. Allele origin: unknown.
Comment: This variant is considered benign. This variant is a silent/synonymous amino acid change and it is not expected to impact splicing.

Color Diagnostics, LLC DBA Color Health
Classification: Likely benign for Hereditary cancer-predisposing syndrome. Last evaluated: 2019-02-26. Review status: criteria provided, single submitter. Criteria: ACMG Guidelines, 2015. Collection method: clinical testing. Allele origin: germline.

Ambry Genetics
Classification: Likely benign for Hereditary cancer-predisposing syndrome. Last evaluated: 2017-02-10. Review status: criteria provided, single submitter. Criteria: Ambry Variant Classification Scheme 2023. Collection method: clinical testing. Allele origin: germline.